The following is an entry in ClinVar:

ClinVar aggregate classification (germline): Uncertain significance (1 of 4 stars; one submission).

Submission:

Labcorp Genetics (formerly Invitae), Labcorp
Classification: Uncertain significance. Last evaluated: 2025-07-29. Review status: criteria provided, single submitter. Criteria: Invitae Variant Classification Sherloc (09022015). Collection method: clinical testing. Allele origin: germline.
Comment: This sequence change replaces leucine, which is neutral and non-polar, with valine, which is neutral and non-polar, at codon 155 of the SH3KBP1 protein (p.Leu155Val). This variant is not present in population databases (gnomAD no frequency). This variant has not been reported in the literature in individuals affected with SH3KBP1-related conditions. Invitae Evidence Modeling of protein sequence and biophysical properties (such as structural, functional, and spatial information, amino acid conservation, physicochemical variation, residue mobility, and thermodynamic stability) indicates that this missense variant is not expected to disrupt SH3KBP1 protein function with a negative predictive value of 80%. In summary, the available evidence is currently insufficient to determine the role of this variant in disease. Therefore, it has been classified as a Variant of Uncertain Significance.

NM_031892.3(SH3KBP1):c.463C>G (p.Leu155Val)

Gene: SH3KBP1 (SH3 domain containing kinase binding protein 1; minus strand). Cytogenetic location: Xp22.12.
Variant type: single nucleotide variant.
Coding change: c.463C>G on transcript NM_031892.3 (MANE Select); coding-DNA position 463, C replaced by G.
Protein change: p.Leu155Val; replaces leucine 155 with valine.
Molecular consequence: missense variant.
Genome position (GRCh38, 1-based): chrX:19,695,669, G>C on the plus strand (C>G on the coding strand, the complement: SH3KBP1 is on the minus strand). VCF-style: chrX-19695669-G-C. GRCh37 (hg19) VCF-style: chrX-19713787-G-C.
Other names: c.352C>G, p.Leu118Val (NM_001024666.3); c.463C>G, p.Leu155Val (NM_001353890.2, NM_001353891.2, NM_001353892.2 and 2 more transcripts); c.286C>G, p.Leu96Val (NM_001353893.2, NM_001353894.2, NM_001353895.2 and 1 more transcripts); short protein forms L155V, L118V, L96V.
Identifiers: ClinVar variation 4740804 (VCV004740804.1).